The following is an entry in ClinVar:

ClinVar aggregate classification (germline): Uncertain significance (1 of 4 stars; one submission).

Conditions:
Hereditary cancer-predisposing syndrome. Also called: Neoplastic Syndromes, Hereditary; Tumor predisposition; Hereditary Cancer Syndrome; Hereditary neoplastic syndrome. Identifiers: Orphanet 140162, MedGen C0027672, MeSH D009386, MONDO:0015356.

gnomAD v4.1: 4 of 1,613,918 alleles (0.00025%); highest among the groups gnomAD compares: Non-Finnish European, 0.00034%; no homozygotes.

Submission:

Ambry Genetics
Classification: Uncertain significance for Hereditary cancer-predisposing syndrome. Last evaluated: 2026-01-29. Review status: criteria provided, single submitter. Criteria: Ambry Variant Classification Scheme 2023. Collection method: clinical testing. Allele origin: germline.
Comment: The c.330+4A>T intronic variant results from an A to T substitution 4 nucleotides after coding exon 4 in the POLE gene. In silico splice site analysis predicts that this alteration will weaken the native splice donor site. A resulting transcript is predicted to be in-frame and is not expected to trigger nonsense-mediated mRNAdecay. RNA studies have demonstrated that this variant results in a transcript predicted to lead to a protein with an in-frame deletion of 15 amino acids; however, the exact functional impact of the deleted amino acids is unknown at this time (Ambry internal data). This nucleotide position is well conserved in available vertebrate species. Based on the available evidence, the clinical significance of this variant remains unclear.

NM_006231.4(POLE):c.330+4A>T

Gene: POLE (DNA polymerase epsilon, catalytic subunit; minus strand). Cytogenetic location: 12q24.33.
Variant type: single nucleotide variant.
Coding change: c.330+4A>T on transcript NM_006231.4 (MANE Select); 4 bases into the intron after coding-DNA position 330, A replaced by T.
Molecular consequence: intron variant.
Genome position (GRCh38, 1-based): chr12:132,680,174, T>A on the plus strand (A>T on the coding strand, the complement: POLE is on the minus strand). VCF-style: chr12-132680174-T-A. GRCh37 (hg19) VCF-style: chr12-133256760-T-A.
Identifiers: ClinVar variation 4844264 (VCV004844264.1).